The following is an entry in ClinVar:

ClinVar aggregate classification (germline): Uncertain significance. Review status: criteria provided, multiple submitters, no conflicts (2 of 4 stars). 2 submissions from 2 submitters: Uncertain significance (2). Last evaluated 2026-06-24.

Conditions:
Inborn genetic diseases. Identifiers: MedGen C0950123, MeSH D030342.
Charcot-Marie-Tooth disease type 4. Also called: Charcot-Marie-Tooth disease, type IV; Charcot-Marie-Tooth, Type 4. Identifiers: Orphanet 64749, MedGen C4082197, MONDO:0018995.

Allele frequency attached by ClinVar (database versions not stated): gnomAD exomes below 0.00001; TOPMed below 0.00001.
gnomAD v4.1: 4 of 1,614,138 alleles (0.00025%); highest among the groups gnomAD compares: Non-Finnish European, 0.00034%; no homozygotes.

Submissions (2):

Ambry Genetics
Classification: Uncertain significance for Inborn genetic diseases. Last evaluated: 2026-06-24. Review status: criteria provided, single submitter. Criteria: Ambry Variant Classification Scheme 2023. Collection method: clinical testing. Allele origin: germline.

Labcorp Genetics (formerly Invitae), Labcorp
Classification: Uncertain significance for Charcot-Marie-Tooth disease type 4. Last evaluated: 2022-06-23. Review status: criteria provided, single submitter. Criteria: Invitae Variant Classification Sherloc (09022015). Collection method: clinical testing. Allele origin: germline.
Comment: This variant has not been reported in the literature in individuals affected with SH3TC2-related conditions. This variant is not present in population databases (gnomAD no frequency). This sequence change replaces glutamine, which is neutral and polar, with proline, which is neutral and non-polar, at codon 395 of the SH3TC2 protein (p.Gln395Pro). In summary, the available evidence is currently insufficient to determine the role of this variant in disease. Therefore, it has been classified as a Variant of Uncertain Significance. Advanced modeling of protein sequence and biophysical properties (such as structural, functional, and spatial information, amino acid conservation, physicochemical variation, residue mobility, and thermodynamic stability) performed at Invitae indicates that this missense variant is not expected to disrupt SH3TC2 protein function.

NM_024577.4(SH3TC2):c.1184A>C (p.Gln395Pro)

Gene: SH3TC2 (SH3 domain and tetratricopeptide repeats 2; minus strand). Cytogenetic location: 5q32.
Variant type: single nucleotide variant.
Coding change: c.1184A>C on transcript NM_024577.4 (MANE Select); coding-DNA position 1184, A replaced by C.
Protein change: p.Gln395Pro; replaces glutamine 395 with proline.
Molecular consequence: missense variant.
Genome position (GRCh38, 1-based): chr5:149,028,548, T>G on the plus strand (A>C on the coding strand, the complement: SH3TC2 is on the minus strand). VCF-style: chr5-149028548-T-G. GRCh37 (hg19) VCF-style: chr5-148408111-T-G.
Other names: short protein forms Q395P.
Identifiers: ClinVar variation 1742919 (VCV001742919.7), dbSNP rs1754124855, ClinGen allele CA361669603.